The following is an entry in ClinVar:

NM_177550.5(SLC13A5):c.872G>A (p.Ser291Asn)

Gene: SLC13A5 (solute carrier family 13 member 5; minus strand). Cytogenetic location: 17p13.1.
Variant type: single nucleotide variant.
Coding change: c.872G>A on transcript NM_177550.5 (MANE Select); coding-DNA position 872, G replaced by A.
Protein change: p.Ser291Asn; replaces serine 291 with asparagine.
Molecular consequence: missense variant.
Genome position (GRCh38, 1-based): chr17:6,695,909, C>T on the plus strand (G>A on the coding strand, the complement: SLC13A5 is on the minus strand). VCF-style: chr17-6695909-C-T. GRCh37 (hg19) VCF-style: chr17-6599228-C-T.
Other names: c.872G>A, p.Ser291Asn (NM_001143838.3); c.821G>A, p.Ser274Asn (NM_001284509.2); c.743G>A, p.Ser248Asn (NM_001284510.2); short protein forms S274N, S248N, S291N.
Identifiers: ClinVar variation 1998924 (VCV001998924.4), dbSNP rs2544624426, ClinGen allele CA397744933.

ClinVar aggregate classification (germline): Uncertain significance (1 of 4 stars; one submission).

Conditions:
Developmental and epileptic encephalopathy, 25 (DEE25). Also called: Developmental and epileptic encephalopathy 25, with amelogenesis imperfecta; Epileptic encephalopathy, early infantile, 25, with amelogenesis imperfecta; Epileptic encephalopathy, early infantile, 25. Identifiers: Orphanet 442835, MedGen C4014621, MONDO:0014392, OMIM 615905.

Allele frequency attached by ClinVar (database versions not stated): gnomAD exomes below 0.00001.
gnomAD v4.1: 1 of 1,614,090 alleles (0.000062%); highest among the groups gnomAD compares: South Asian, 0.0011%; no homozygotes.

Submission:

Labcorp Genetics (formerly Invitae), Labcorp
Classification: Uncertain significance for Developmental and epileptic encephalopathy, 25. Last evaluated: 2022-05-25. Review status: criteria provided, single submitter. Criteria: Invitae Variant Classification Sherloc (09022015). Collection method: clinical testing. Allele origin: germline.
Comment: This variant has not been reported in the literature in individuals affected with SLC13A5-related conditions. This variant is not present in population databases (gnomAD no frequency). This sequence change replaces serine, which is neutral and polar, with asparagine, which is neutral and polar, at codon 291 of the SLC13A5 protein (p.Ser291Asn). In summary, the available evidence is currently insufficient to determine the role of this variant in disease. Therefore, it has been classified as a Variant of Uncertain Significance. Algorithms developed to predict the effect of missense changes on protein structure and function output the following: SIFT: "Tolerated"; PolyPhen-2: "Benign"; Align-GVGD: "Class C0". The asparagine amino acid residue is found in multiple mammalian species, which suggests that this missense change does not adversely affect protein function.